The following is an entry in ClinVar:

NM_016038.4(SBDS):c.659T>C (p.Ile220Thr)

Gene: SBDS (SBDS ribosome maturation factor; minus strand). Cytogenetic location: 7q11.21.
Variant type: single nucleotide variant.
Coding change: c.659T>C on transcript NM_016038.4 (MANE Select); coding-DNA position 659, T replaced by C.
Protein change: p.Ile220Thr; replaces isoleucine 220 with threonine.
Molecular consequence: missense variant.
Genome position (GRCh38, 1-based): chr7:66,988,465, A>G on the plus strand (T>C on the coding strand, the complement: SBDS is on the minus strand). VCF-style: chr7-66988465-A-G. GRCh37 (hg19) VCF-style: chr7-66453452-A-G.
Other names: short protein forms I220T.
Identifiers: ClinVar variation 3437522 (VCV003437522.1).

ClinVar aggregate classification (germline): Uncertain significance (1 of 4 stars; one submission).

Conditions:
Inborn genetic diseases. Identifiers: MedGen C0950123, MeSH D030342.

Submission:

Ambry Genetics
Classification: Uncertain significance for Inborn genetic diseases. Last evaluated: 2024-11-21. Review status: criteria provided, single submitter. Criteria: Ambry Variant Classification Scheme 2023. Collection method: clinical testing. Allele origin: germline.
Comment: The p.I220T variant (also known as c.659T>C), located in coding exon 5 of the SBDS gene, results from a T to C substitution at nucleotide position 659. The isoleucine at codon 220 is replaced by threonine, an amino acid with similar properties. This amino acid position is conserved. In addition, this alteration is predicted to be deleterious by in silico analysis. Based on the available evidence, the clinical significance of this variant remains unclear.